The following is an entry in ClinVar:

ClinVar aggregate classification (germline): Uncertain significance (1 of 4 stars; one submission).

Conditions:
Familial hemophagocytic lymphohistiocytosis 4 (FHL4). Also called: STX11-Related Familial Hemophagocytic Lymphohistiocytosis (STX11-fHLH). Identifiers: Orphanet 540, MedGen C1863728, MONDO:0011336, OMIM 603552.

Submission:

Labcorp Genetics (formerly Invitae), Labcorp
Classification: Uncertain significance for Familial hemophagocytic lymphohistiocytosis 4. Last evaluated: 2025-03-31. Review status: criteria provided, single submitter. Criteria: Invitae Variant Classification Sherloc (09022015). Collection method: clinical testing. Allele origin: germline.
Comment: This sequence change replaces arginine, which is basic and polar, with leucine, which is neutral and non-polar, at codon 201 of the STX11 protein (p.Arg201Leu). This variant is not present in population databases (gnomAD no frequency). This variant has not been reported in the literature in individuals affected with STX11-related conditions. ClinVar contains an entry for this variant (Variation ID: 639111). Invitae Evidence Modeling of protein sequence and biophysical properties (such as structural, functional, and spatial information, amino acid conservation, physicochemical variation, residue mobility, and thermodynamic stability) has been performed for this missense variant. However, the output from this modeling did not meet the statistical confidence thresholds required to predict the impact of this variant on STX11 protein function. In summary, the available evidence is currently insufficient to determine the role of this variant in disease. Therefore, it has been classified as a Variant of Uncertain Significance.

NM_003764.4(STX11):c.602G>T (p.Arg201Leu)

Gene: STX11 (syntaxin 11; plus strand). Cytogenetic location: 6q24.2.
Variant type: single nucleotide variant.
Coding change: c.602G>T on transcript NM_003764.4 (MANE Select); coding-DNA position 602, G replaced by T.
Protein change: p.Arg201Leu; replaces arginine 201 with leucine.
Molecular consequence: missense variant.
Genome position (GRCh38, 1-based): chr6:144,187,229, G>T. VCF-style: chr6-144187229-G-T. GRCh37 (hg19) VCF-style: chr6-144508366-G-T.
Other names: c.602G>T (LRG_113t1); short protein forms R201L.
Identifiers: ClinVar variation 639111 (VCV000639111.8), dbSNP rs1159549216, ClinGen allele CA365949605.